The following is an entry in ClinVar:

ClinVar aggregate classification (germline): Uncertain significance (0 of 4 stars; one submission).

Conditions:
PLXNA4-related disorder. Also called: PLXNA4-related condition.

gnomAD v4.1: 2 of 1,613,348 alleles (0.00012%); highest among the groups gnomAD compares: Admixed American, 0.0033%; no homozygotes.

Submission:

PreventionGenetics, part of Exact Sciences
Classification: Uncertain significance for PLXNA4-related condition. Last evaluated: 2024-05-14. Review status: no assertion criteria provided. Collection method: clinical testing. Allele origin: germline.
Comment: The PLXNA4 c.3704G>C variant is predicted to result in the amino acid substitution p.Ser1235Thr. To our knowledge, this variant has not been reported in the literature. This variant is reported in 0.0029% of alleles in individuals of Latino descent in gnomAD. At this time, the clinical significance of this variant is uncertain due to the absence of conclusive functional and genetic evidence.

NM_020911.2(PLXNA4):c.3704G>C (p.Ser1235Thr)

Gene: PLXNA4 (plexin A4; minus strand). Cytogenetic location: 7q32.3.
Variant type: single nucleotide variant.
Coding change: c.3704G>C on transcript NM_020911.2 (MANE Select); coding-DNA position 3704, G replaced by C.
Protein change: p.Ser1235Thr; replaces serine 1235 with threonine.
Molecular consequence: missense variant.
Genome position (GRCh38, 1-based): chr7:132,179,857, C>G on the plus strand (G>C on the coding strand, the complement: PLXNA4 is on the minus strand). VCF-style: chr7-132179857-C-G. GRCh37 (hg19) VCF-style: chr7-131864616-C-G.
Other names: c.3704G>C, p.Ser1235Thr (NM_001393897.1); short protein forms S1235T.
Identifiers: ClinVar variation 3357599 (VCV003357599.1).
Genomic context (GRCh38, chr7:132,179,857, plus strand): 5'-GCCACGATGAAAATGATGAGGAGGCCGCCAGCCACTGCGATGCTGACGATGGCGGGCAGG[C>G]TGAGCGGGCTGTCCGGGGCAATGTACACCATCCCCGGGGAGTACTCCATGCCACCGACAC-3'
Protein context (NP_065962.1, residues 1225-1245): MVYIAPDSPL[Ser1235Thr]LPAIVSIAVA